The following is an entry in ClinVar:

NM_000038.6(APC):c.983A>C (p.Asp328Ala)

Gene: APC (APC regulator of WNT signaling pathway; plus strand). Cytogenetic location: 5q22.2.
Variant type: single nucleotide variant.
Coding change: c.983A>C on transcript NM_000038.6 (MANE Select); coding-DNA position 983, A replaced by C.
Protein change: p.Asp328Ala; replaces aspartic acid 328 with alanine.
Molecular consequence: missense variant. On other transcripts: non-coding transcript variant (2), intron variant (15).
Genome position (GRCh38, 1-based): chr5:112,819,015, A>C. VCF-style: chr5-112819015-A-C. GRCh37 (hg19) VCF-style: chr5-112154712-A-C.
Other names: c.983A>C, p.Asp328Ala (NM_001127510.3, NM_001354895.2, NM_001354896.2 and 4 more transcripts); c.929A>C, p.Asp310Ala (NM_001127511.3); c.1013A>C, p.Asp338Ala (NM_001354897.2, NM_001407446.1); c.908A>C, p.Asp303Ala (NM_001354898.2, NM_001407451.1); c.899A>C, p.Asp300Ala (NM_001354899.2, NM_001407452.1); c.806A>C, p.Asp269Ala (NM_001354900.2, NM_001354901.2, NM_001407453.1); c.134A>C, p.Asp45Ala (NM_001354906.2, NM_001407470.1); c.85-254A>C (NM_001407472.1, NM_001407471.1); and 5 more; short protein forms D269A, D300A, D303A, D310A, D328A, D338A, D45A.
Identifiers: ClinVar variation 3386214 (VCV003386214.1).
Genomic context (GRCh38, chr5:112,819,015, plus strand): 5'-TTGGCCCACAGGTGGAAATGGTGTATTCATTGTTGTCAATGCTTGGTACTCATGATAAGG[A>C]TGATATGTCGCGAACTTTGCTAGCTATGTCTAGCTCCCAAGACAGCTGTATATCCATGCG-3'
Protein context (NP_000029.2, residues 318-338): LLSMLGTHDK[Asp328Ala]DMSRTLLAMS

ClinVar aggregate classification (germline): Uncertain significance (1 of 4 stars; one submission).

Conditions:
Classic or attenuated familial adenomatous polyposis. Identifiers: MedGen CN372698, MONDO:0021057.

Submission:

All of Us Research Program, National Institutes of Health
Classification: Uncertain significance for Classic or attenuated familial adenomatous polyposis. Last evaluated: 2024-04-16. Review status: criteria provided, single submitter. Criteria: ACMG Guidelines, 2015. Collection method: clinical testing. Allele origin: germline. Inheritance: Autosomal dominant inheritance. Observed: 1 variant allele, 1 heterozygote.
Comment: This missense variant replaces aspartic acid with alanine at codon 328 of the APC protein. Computational prediction is inconclusive regarding the impact of this variant on protein structure and function (internally defined REVEL score threshold 0.5 < inconclusive < 0.7, PMID: 27666373). To our knowledge, functional studies have not been reported for this variant. This variant has not been reported in individuals affected with APC-related disorders in the literature. This variant has not been identified in the general population by the Genome Aggregation Database (gnomAD). The available evidence is insufficient to determine the role of this variant in disease conclusively. Therefore, this variant is classified as a Variant of Uncertain Significance.

This study involves interpretation of variants in research participants for the purpose of population health screening. Participant phenotype was not available at the time of variant classification. Additional details can be found in publication PMID: 35346344, PMCID: PMC8962531